The following is an entry in ClinVar:

NM_014633.5(CTR9):c.1500A>T (p.Ser500=)

Genes: CTR9 (CTR9 component of Paf1/RNA polymerase II complex; plus strand), LOC126861140 (CDK7 strongly-dependent group 2 enhancer GRCh37_chr11:10785333-10786532; plus strand). Cytogenetic location: 11p15.4.
Variant type: single nucleotide variant.
Coding change: c.1500A>T on transcript NM_014633.5 (MANE Select); coding-DNA position 1500, A replaced by T.
Protein change: p.Ser500=; no amino-acid change (serine 500 retained).
Molecular consequence: synonymous variant.
Genome position (GRCh38, 1-based): chr11:10,764,634, A>T. VCF-style: chr11-10764634-A-T. GRCh37 (hg19) VCF-style: chr11-10786181-A-T.
Other names: c.1500A>T, p.Ser500= (NM_001346279.2).
Identifiers: ClinVar variation 2641602 (VCV002641602.24), dbSNP rs1863031377, ClinGen allele CA473090901.

ClinVar aggregate classification (germline): Likely benign (1 of 4 stars; one submission).

Submission:

CeGaT Center for Human Genetics Tuebingen
Classification: Likely benign. Last evaluated: 2023-03-01. Review status: criteria provided, single submitter. Criteria: CeGaT Center For Human Genetics Tuebingen Variant Classification Criteria Version 2. Collection method: clinical testing. Allele origin: germline. Affected: yes. Observed: 1 variant allele.
Comment: CTR9: PM2:Supporting, BP4, BP7